The following is an entry in ClinVar:

ClinVar aggregate classification (germline): Uncertain significance (1 of 4 stars; one submission).

gnomAD v4.1: 11 of 1,613,768 alleles (0.00068%); highest among the groups gnomAD compares: African/African-American, 0.011%; no homozygotes.

Submission:

Labcorp Genetics (formerly Invitae), Labcorp
Classification: Uncertain significance. Last evaluated: 2024-08-21. Review status: criteria provided, single submitter. Criteria: Invitae Variant Classification Sherloc (09022015). Collection method: clinical testing. Allele origin: germline.
Comment: This sequence change replaces histidine, which is basic and polar, with tyrosine, which is neutral and polar, at codon 1043 of the MYO5A protein (p.His1043Tyr). This variant is present in population databases (rs372637495, gnomAD 0.01%). This variant has not been reported in the literature in individuals affected with MYO5A-related conditions. Invitae Evidence Modeling of protein sequence and biophysical properties (such as structural, functional, and spatial information, amino acid conservation, physicochemical variation, residue mobility, and thermodynamic stability) indicates that this missense variant is not expected to disrupt MYO5A protein function with a negative predictive value of 80%. In summary, the available evidence is currently insufficient to determine the role of this variant in disease. Therefore, it has been classified as a Variant of Uncertain Significance.

NM_001382347.1(MYO5A):c.3127C>T (p.His1043Tyr)

Gene: MYO5A (myosin VA; minus strand). Cytogenetic location: 15q21.2.
Variant type: single nucleotide variant.
Coding change: c.3127C>T on transcript NM_001382347.1 (MANE Select); coding-DNA position 3127, C replaced by T.
Protein change: p.His1043Tyr; replaces histidine 1043 with tyrosine.
Molecular consequence: missense variant.
Genome position (GRCh38, 1-based): chr15:52,367,064, G>A on the plus strand (C>T on the coding strand, the complement: MYO5A is on the minus strand). VCF-style: chr15-52367064-G-A. GRCh37 (hg19) VCF-style: chr15-52659261-G-A.
Other names: c.3127C>T, p.His1043Tyr (NM_000259.3, NM_001142495.2, NM_001411135.1); c.3199C>T, p.His1067Tyr (NM_001382348.1, NM_001382349.1); short protein forms H1043Y, H1067Y.
Identifiers: ClinVar variation 3666415 (VCV003666415.2).